The following is an entry in ClinVar:

NM_000038.6(APC):c.7836G>C (p.Trp2612Cys)

Gene: APC (APC regulator of Wnt signaling pathway; plus strand). Cytogenetic location: 5q22.2.
Variant type: single nucleotide variant.
Coding change: c.7836G>C on transcript NM_000038.6 (MANE Select); coding-DNA position 7836, G replaced by C.
Protein change: p.Trp2612Cys; replaces tryptophan 2612 with cysteine.
Molecular consequence: missense variant.
Genome position (GRCh38, 1-based): chr5:112,843,430, G>C. VCF-style: chr5-112843430-G-C. GRCh37 (hg19) VCF-style: chr5-112179127-G-C.
Other names: c.7836G>C, p.Trp2612Cys (NM_001127510.3, NM_001354895.2); c.7782G>C, p.Trp2594Cys (NM_001127511.3); c.7890G>C, p.Trp2630Cys (NM_001354896.2); c.7866G>C, p.Trp2622Cys (NM_001354897.2); c.7761G>C, p.Trp2587Cys (NM_001354898.2); c.7752G>C, p.Trp2584Cys (NM_001354899.2); c.7713G>C, p.Trp2571Cys (NM_001354900.2); c.7659G>C, p.Trp2553Cys (NM_001354901.2); and 5 more; short protein forms W2594C, W2612C, W2452C, W2587C, W2329C, W2511C, W2521C, W2553C.
Identifiers: ClinVar variation 537451 (VCV000537451.11), dbSNP rs1239291755, ClinGen allele CA16038354.

ClinVar aggregate classification (germline): Uncertain significance (1 of 4 stars; one submission).

Conditions:
Familial adenomatous polyposis 1 (FAP1). Also called: FAMILIAL ADENOMATOUS POLYPOSIS 1, ATTENUATED; POLYPOSIS, ADENOMATOUS INTESTINAL. Identifiers: MedGen C2713442, MONDO:0021056, OMIM 175100. Disease mechanism: loss of function.
Gastric adenocarcinoma and proximal polyposis of the stomach (GAPPS). Also called: POLYPOSIS, GASTRIC; Gastric Adenocarcinoma and Proximal Polyposis of the Stomach (GAPPS); Polyposis, gastric, Dos Santos and de Magalhaes 1980. Identifiers: Orphanet 314022, MedGen C4749917, MONDO:0017790, OMIM 619182.
Attenuated familial adenomatous polyposis (AFAP). Also called: Attenuated FAP. Identifiers: Orphanet 220460, MedGen C2674616, MONDO:0016362.

Allele frequency attached by ClinVar (database versions not stated): gnomAD exomes below 0.00001; TOPMed below 0.00001; gnomAD 0.00001.

Submission:

Labcorp Genetics (formerly Invitae), Labcorp
Classification: Uncertain significance for Familial adenomatous polyposis 1. Last evaluated: 2023-07-25. Review status: criteria provided, single submitter. Criteria: Invitae Variant Classification Sherloc (09022015). Collection method: clinical testing. Allele origin: germline.
Comment: Advanced modeling of protein sequence and biophysical properties (such as structural, functional, and spatial information, amino acid conservation, physicochemical variation, residue mobility, and thermodynamic stability) has been performed at Invitae for this missense variant, however the output from this modeling did not meet the statistical confidence thresholds required to predict the impact of this variant on APC protein function. In summary, the available evidence is currently insufficient to determine the role of this variant in disease. Therefore, it has been classified as a Variant of Uncertain Significance. This sequence change replaces tryptophan, which is neutral and slightly polar, with cysteine, which is neutral and slightly polar, at codon 2612 of the APC protein (p.Trp2612Cys). This variant is not present in population databases (gnomAD no frequency). This variant has not been reported in the literature in individuals affected with APC-related conditions. ClinVar contains an entry for this variant (Variation ID: 537451).